The following is an entry in ClinVar:

NM_000088.4(COL1A1):c.1335_1336del (p.Gly446fs)

Gene: COL1A1 (collagen type I alpha 1 chain; minus strand). Cytogenetic location: 17q21.33.
Variant type: Deletion.
Coding change: c.1335_1336del on transcript NM_000088.4 (MANE Select); coding-DNA positions 1335 to 1336, 2 bases deleted (TG; older notation c.1335_1336delTG).
Protein change: p.Gly446fs; shifts the reading frame from glycine 446.
Molecular consequence: frameshift variant.
Genome position (GRCh38, 1-based): chr17:50,195,064-50,195,065, CA deleted on the plus strand (TG on the coding strand, the reverse complement: COL1A1 is on the minus strand). VCF-style (leftmost placement, unchanged base first): chr17-50195063-CCA-C. GRCh37 (hg19) VCF-style: chr17-48272424-CCA-C.
Other names: short protein forms G446fs.
Identifiers: ClinVar variation 963396 (VCV000963396.8), dbSNP rs1907456419, ClinGen allele CA1139665706.

ClinVar aggregate classification (germline): Pathogenic (1 of 4 stars; one submission).

Conditions:
Osteogenesis imperfecta type I (OI1). Also called: Lobstein's Disease; OI, TYPE I; OSTEOGENESIS IMPERFECTA TARDA; OSTEOGENESIS IMPERFECTA WITH BLUE SCLERAE; Lobstein disease; Osteogenesis imperfecta type 1. Identifiers: Orphanet 216796, Orphanet 666, MedGen C0023931, MONDO:0008146, OMIM 166200. Disease mechanism: loss of function.

Submission:

Labcorp Genetics (formerly Invitae), Labcorp
Classification: Pathogenic for Osteogenesis imperfecta type I. Last evaluated: 2019-10-21. Review status: criteria provided, single submitter. Criteria: Invitae Variant Classification Sherloc (09022015). Collection method: clinical testing. Allele origin: germline.
Comment: This sequence change creates a premature translational stop signal (p.Gly446Cysfs*2) in the COL1A1 gene. It is expected to result in an absent or disrupted protein product. This variant is not present in population databases (ExAC no frequency). This variant has not been reported in the literature in individuals with COL1A1-related conditions. Loss-of-function variants in COL1A1 are known to be pathogenic (PMID: 7942841, 9295084, 9443882). For these reasons, this variant has been classified as Pathogenic.

Literature cited by the submitters: PubMed 7942841; PubMed 9295084; PubMed 9443882.